The following is an entry in ClinVar:

ClinVar aggregate classification (germline): Uncertain significance (1 of 4 stars; one submission).

Conditions:
Charcot-Marie-Tooth disease type 2. Also called: Charcot-Marie-Tooth type 2. Identifiers: Orphanet 64746, MedGen C0270914, MONDO:0018993.

Submission:

Labcorp Genetics (formerly Invitae), Labcorp
Classification: Uncertain significance for Charcot-Marie-Tooth disease type 2. Last evaluated: 2025-02-06. Review status: criteria provided, single submitter. Criteria: Invitae Variant Classification Sherloc (09022015). Collection method: clinical testing. Allele origin: germline.
Comment: This sequence change falls in intron 3 of the BSCL2 gene. It does not directly change the encoded amino acid sequence of the BSCL2 protein. It affects a nucleotide within the consensus splice site. This variant is not present in population databases (gnomAD no frequency). This variant has not been reported in the literature in individuals affected with BSCL2-related conditions. Variants that disrupt the consensus splice site are a relatively common cause of aberrant splicing (PMID: 17576681, 9536098). Algorithms developed to predict the effect of sequence changes on RNA splicing suggest that this variant may disrupt the consensus splice site. In summary, the available evidence is currently insufficient to determine the role of this variant in disease. Therefore, it has been classified as a Variant of Uncertain Significance.

Literature cited by the submitters: PubMed 17576681; PubMed 9536098.

NM_001122955.4(BSCL2):c.486+3G>C

Genes: BSCL2 (BSCL2 lipid droplet biogenesis associated, seipin; minus strand), HNRNPUL2-BSCL2 (HNRNPUL2-BSCL2 readthrough (NMD candidate); minus strand). Cytogenetic location: 11q12.3.
Variant type: single nucleotide variant.
Coding change: c.486+3G>C on transcript NM_001122955.4 (MANE Select); 3 bases into the intron after coding-DNA position 486, G replaced by C.
Molecular consequence: intron variant.
Genome position (GRCh38, 1-based): chr11:62,702,465, C>G on the plus strand (G>C on the coding strand, the complement: BSCL2 is on the minus strand). VCF-style: chr11-62702465-C-G. GRCh37 (hg19) VCF-style: chr11-62469937-C-G.
Other names: c.294+3G>C (NM_001130702.2, NM_032667.6); c.486+3G>C (NM_001386028.1, NM_001386027.1).
Identifiers: ClinVar variation 4697382 (VCV004697382.1).